The following is an entry in ClinVar:

ClinVar aggregate classification (germline): Uncertain significance (1 of 4 stars; one submission).

Allele frequency attached by ClinVar (database versions not stated): gnomAD exomes below 0.00001 and 0.00001; TOPMed 0.00001.
gnomAD v4.1: 5 of 1,613,898 alleles (0.00031%); highest among the groups gnomAD compares: Non-Finnish European, 0.00042%; no homozygotes.

Submission:

Labcorp Genetics (formerly Invitae), Labcorp
Classification: Uncertain significance. Last evaluated: 2022-08-09. Review status: criteria provided, single submitter. Criteria: Invitae Variant Classification Sherloc (09022015). Collection method: clinical testing. Allele origin: germline.
Comment: This sequence change replaces proline, which is neutral and non-polar, with alanine, which is neutral and non-polar, at codon 2199 of the PCLO protein (p.Pro2199Ala). This variant is present in population databases (no rsID available, gnomAD 0.002%). This variant has not been reported in the literature in individuals affected with PCLO-related conditions. ClinVar contains an entry for this variant (Variation ID: 1483133). Algorithms developed to predict the effect of missense changes on protein structure and function are either unavailable or do not agree on the potential impact of this missense change (SIFT: "Deleterious"; PolyPhen-2: "Not Available"; Align-GVGD: "Class C0"). In summary, the available evidence is currently insufficient to determine the role of this variant in disease. Therefore, it has been classified as a Variant of Uncertain Significance.

NM_033026.6(PCLO):c.6595C>G (p.Pro2199Ala)

Gene: PCLO (piccolo presynaptic cytomatrix protein; minus strand). Cytogenetic location: 7q21.11.
Variant type: single nucleotide variant.
Coding change: c.6595C>G on transcript NM_033026.6 (MANE Select); coding-DNA position 6595, C replaced by G.
Protein change: p.Pro2199Ala; replaces proline 2199 with alanine.
Molecular consequence: missense variant.
Genome position (GRCh38, 1-based): chr7:82,954,358, G>C on the plus strand (C>G on the coding strand, the complement: PCLO is on the minus strand). VCF-style: chr7-82954358-G-C. GRCh37 (hg19) VCF-style: chr7-82583674-G-C.
Other names: c.6595C>G, p.Pro2199Ala (NM_014510.3); short protein forms P2199A.
Identifiers: ClinVar variation 1483133 (VCV001483133.5), dbSNP rs1269931220, ClinGen allele CA367918920.